The following is an entry in ClinVar:

ClinVar aggregate classification (germline): Pathogenic/Likely pathogenic. Review status: criteria provided, multiple submitters, no conflicts (2 of 4 stars). 2 submissions from 2 submitters: Pathogenic (1); Likely pathogenic (1). Last evaluated 2023-11-14.

Conditions:
Vanishing white matter disease. Also called: CACH syndrome; Leukoencephalopathy with vanishing white matter; CACH/VWM syndrome; Childhood ataxia with diffuse central nervous system hypomyelination; Cree leukoencehalopathy. Identifiers: Orphanet 135, Orphanet 99853, MedGen C1858991, MONDO:0800448.

Allele frequency attached by ClinVar (database versions not stated): gnomAD 0.00001; gnomAD exomes 0.00001; TOPMed 0.00001.
gnomAD v4.1: 21 of 1,613,990 alleles (0.0013%); highest among the groups gnomAD compares: Non-Finnish European, 0.0018%; no homozygotes.

Submissions (2):

Labcorp Genetics (formerly Invitae), Labcorp
Classification: Pathogenic. Last evaluated: 2023-11-14. Review status: criteria provided, single submitter. Criteria: Invitae Variant Classification Sherloc (09022015). Collection method: clinical testing. Allele origin: germline.
Comment: This sequence change creates a premature translational stop signal (p.Glu304*) in the EIF2B2 gene. While this is not anticipated to result in nonsense mediated decay, it is expected to disrupt the last 48 amino acid(s) of the EIF2B2 protein. This variant is not present in population databases (gnomAD no frequency). This premature translational stop signal has been observed in individual(s) with leukoencephalopathy with vanishing white matter (PMID: 15136673). ClinVar contains an entry for this variant (Variation ID: 977721). Algorithms developed to predict the effect of sequence changes on RNA splicing suggest that this variant may disrupt the consensus splice site. This variant disrupts a region of the EIF2B2 protein in which other variant(s) (p.Val316Asp) have been determined to be pathogenic (PMID: 11704758, 33432707). This suggests that this is a clinically significant region of the protein, and that variants that disrupt it are likely to be disease-causing. For these reasons, this variant has been classified as Pathogenic.

Women's Health and Genetics/Laboratory Corporation of America, LabCorp
Classification: Likely pathogenic for Vanishing white matter disease. Last evaluated: 2021-11-05. Review status: criteria provided, single submitter. Criteria: LabCorp Variant Classification Summary - May 2015. Collection method: clinical testing. Allele origin: germline.
Comment: Variant summary: EIF2B2 c.910G>T (p.Glu304X) located in the last exon (exon 8) results in a premature termination codon, predicted to cause a truncation of the encoded protein. The variant was absent in 251456 control chromosomes (gnomAD). c.910G>T has been reported in the literature as a compound heterozygous genotype in at-least two individuals affected with Leukoencephalopathy with Vanishing White Matter (example, Fogli_2004, Moon_2018). These data indicate that the variant may be associated with disease. Moon et al, 2018 report that patient derived cell lines which harbored E304X and another pathogenic variant, hyper suppress translation during the integrated stress response (ISR) caused by acute ER stress, delaying stress induced gene expression and interrupting a negative feedback loop that allows translational recovery by GADD34-mediated dephosphorylation of phospho-eIF2. They further state that these defects in the ISR could therefore, contribute to white matter loss in vanishing white matter disease (Moon_2018). To our knowledge no other variant specific evidence reporting an impact on protein function has been reported. No other clinical diagnostic laboratories have submitted clinical-significance assessments for this variant to ClinVar after 2014. Based on the evidence outlined above, the variant was classified as likely pathogenic.

Literature cited by the submitters: PubMed 15136673 (cited by Labcorp Genetics (formerly Invitae), Labcorp and Women's Health and Genetics/Laboratory Corporation of America, LabCorp); PubMed 11704758 (cited by Labcorp Genetics (formerly Invitae), Labcorp); PubMed 33432707 (cited by Labcorp Genetics (formerly Invitae), Labcorp); PubMed 29632131 (cited by Women's Health and Genetics/Laboratory Corporation of America, LabCorp).

NM_014239.4(EIF2B2):c.910G>T (p.Glu304Ter)

Gene: EIF2B2 (eukaryotic translation initiation factor 2B subunit beta; plus strand). Cytogenetic location: 14q24.3.
Variant type: single nucleotide variant.
Coding change: c.910G>T on transcript NM_014239.4 (MANE Select); coding-DNA position 910, G replaced by T.
Protein change: p.Glu304Ter; replaces glutamic acid 304 with a stop codon.
Molecular consequence: nonsense.
Genome position (GRCh38, 1-based): chr14:75,009,042, G>T. VCF-style: chr14-75009042-G-T. GRCh37 (hg19) VCF-style: chr14-75475745-G-T.
Other names: short protein forms E304*.
Identifiers: ClinVar variation 977721 (VCV000977721.5), dbSNP rs113994018, ClinGen allele CA263656848.